The following is an entry in ClinVar:

ClinVar aggregate classification (germline): Uncertain significance (1 of 4 stars; one submission).

Submission:

Labcorp Genetics (formerly Invitae), Labcorp
Classification: Uncertain significance. Last evaluated: 2023-08-11. Review status: criteria provided, single submitter. Criteria: Invitae Variant Classification Sherloc (09022015). Collection method: clinical testing. Allele origin: germline.
Comment: In summary, the available evidence is currently insufficient to determine the role of this variant in disease. Therefore, it has been classified as a Variant of Uncertain Significance. Advanced modeling of protein sequence and biophysical properties (such as structural, functional, and spatial information, amino acid conservation, physicochemical variation, residue mobility, and thermodynamic stability) has been performed at Invitae for this missense variant, however the output from this modeling did not meet the statistical confidence thresholds required to predict the impact of this variant on ARHGEF10 protein function. This variant has not been reported in the literature in individuals affected with ARHGEF10-related conditions. This variant is not present in population databases (gnomAD no frequency). This sequence change replaces lysine, which is basic and polar, with glutamic acid, which is acidic and polar, at codon 635 of the ARHGEF10 protein (p.Lys635Glu).

NM_014629.4(ARHGEF10):c.1903A>G (p.Lys635Glu)

Gene: ARHGEF10 (Rho guanine nucleotide exchange factor 10; plus strand). Cytogenetic location: 8p23.3.
Variant type: single nucleotide variant.
Coding change: c.1903A>G on transcript NM_014629.4 (MANE Select); coding-DNA position 1903, A replaced by G.
Protein change: p.Lys635Glu; replaces lysine 635 with glutamic acid.
Molecular consequence: missense variant.
Genome position (GRCh38, 1-based): chr8:1,905,652, A>G. VCF-style: chr8-1905652-A-G. GRCh37 (hg19) VCF-style: chr8-1853818-A-G.
Other names: c.1789A>G, p.Lys597Glu (NM_001308152.2); c.1903A>G, p.Lys635Glu (NM_001308153.3); short protein forms K659E, K597E, K635E.
Identifiers: ClinVar variation 2870747 (VCV002870747.3), dbSNP rs2537596142, ClinGen allele CA369961674.